The following is an entry in ClinVar:

ClinVar aggregate classification (germline): Benign (1 of 4 stars; one submission).

Allele frequency attached by ClinVar (database versions not stated): gnomAD 0.15657; TOPMed 0.17936; 1000 Genomes Project 0.22903; 1000 Genomes Project 30x 0.23157.
gnomAD v4.1: 24,367 of 151,974 alleles (16%); highest among the groups gnomAD compares: East Asian, 41%; 2,614 homozygotes.

Submission:

GeneDx
Classification: Benign. Last evaluated: 2018-06-18. Review status: criteria provided, single submitter. Criteria: GeneDx Variant Classification (06012015). Collection method: clinical testing. Allele origin: germline. Affected: yes.
Comment: This variant is considered likely benign or benign based on one or more of the following criteria: it is a conservative change, it occurs at a poorly conserved position in the protein, it is predicted to be benign by multiple in silico algorithms, and/or has population frequency not consistent with disease.

NM_000426.4(LAMA2):c.4059-173G>C

Gene: LAMA2 (laminin subunit alpha 2; plus strand). Cytogenetic location: 6q22.33.
Variant type: single nucleotide variant.
Coding change: c.4059-173G>C on transcript NM_000426.4 (MANE Select); 173 bases into the intron before coding-DNA position 4059, G replaced by C.
Molecular consequence: intron variant.
Genome position (GRCh38, 1-based): chr6:129,320,365, G>C. VCF-style: chr6-129320365-G-C. GRCh37 (hg19) VCF-style: chr6-129641510-G-C.
Other names: c.4059-173G>C (NM_001079823.2).
Identifiers: ClinVar variation 682924 (VCV000682924.1), dbSNP rs12201387, ClinGen allele CA12377490.
Genomic context (GRCh38, chr6:129,320,365, plus strand): 5'-GGTAGCAGACGTGGAAGAAAATCCCCGTACAAGTGAACCCATGCAGTTCAAGCCCATATT[G>C]TTCAAGGGTCAACTTATGTACAATTATTATTTGTCAATTAAAAACAAAAAGACAATAGAA-3'